The following is an entry in ClinVar:

ClinVar aggregate classification (germline): Uncertain significance (1 of 4 stars; one submission).

Submission:

GeneDx
Classification: Uncertain significance. Last evaluated: 2026-03-03. Review status: criteria provided, single submitter. Criteria: GeneDx Variant Classification Process June 2021. Collection method: clinical testing. Allele origin: germline.
Comment: Not observed at significant frequency in large population cohorts (gnomAD); In silico analysis suggests that this missense variant does not alter protein structure/function; Has not been previously published as pathogenic or benign to our knowledge.

NM_013450.4(BAZ2B):c.796G>A (p.Asp266Asn)

Gene: BAZ2B (bromodomain adjacent to zinc finger domain 2B; minus strand). Cytogenetic location: 2q24.2.
Variant type: single nucleotide variant.
Coding change: c.796G>A on transcript NM_013450.4 (MANE Select); coding-DNA position 796, G replaced by A.
Protein change: p.Asp266Asn; replaces aspartic acid 266 with asparagine.
Molecular consequence: missense variant.
Genome position (GRCh38, 1-based): chr2:159,439,113, C>T on the plus strand (G>A on the coding strand, the complement: BAZ2B is on the minus strand). VCF-style: chr2-159439113-C-T. GRCh37 (hg19) VCF-style: chr2-160295624-C-T.
Other names: c.790G>A, p.Asp264Asn (NM_001289975.1); c.607G>A, p.Asp203Asn (NM_001329857.2); c.796G>A, p.Asp266Asn (NM_001329858.2); short protein forms D264N, D203N, D266N.
Identifiers: ClinVar variation 5008480 (VCV005008480.1).